The following is an entry in ClinVar:

NM_000186.4(CFH):c.514C>T (p.Gln172Ter)

Gene: CFH (complement factor H; plus strand). Cytogenetic location: 1q31.3.
Variant type: single nucleotide variant.
Coding change: c.514C>T on transcript NM_000186.4 (MANE Select); coding-DNA position 514, C replaced by T.
Protein change: p.Gln172Ter; replaces glutamine 172 with a stop codon.
Molecular consequence: nonsense.
Genome position (GRCh38, 1-based): chr1:196,677,562, C>T. VCF-style: chr1-196677562-C-T. GRCh37 (hg19) VCF-style: chr1-196646692-C-T.
Other names: c.514C>T, p.Gln172Ter (NM_001014975.3); short protein forms Q172*.
Identifiers: ClinVar variation 4291290 (VCV004291290.1).

ClinVar aggregate classification (germline): Likely pathogenic, low penetrance (1 of 4 stars; one submission).

Conditions:
Atypical hemolytic-uremic syndrome. Identifiers: Orphanet 2134, MedGen C2931788, MONDO:0016244.
Basal laminar drusen. Also called: DRUSEN OF BRUCH MEMBRANE; DRUSEN, CUTICULAR; DRUSEN, EARLY ADULT-ONSET, GROUPED. Identifiers: Orphanet 75376, MedGen C0730295, MONDO:0007472, OMIM 126700.
Factor H deficiency (CFHD). Also called: COMPLEMENT FACTOR H DEFICIENCY; CFH DEFICIENCY. Identifiers: Orphanet 200421, MedGen C0398777, MONDO:0012350, OMIM 609814.
Age related macular degeneration 4. Identifiers: MedGen C1853147, MONDO:0012540, OMIM 610698.

Submission:

Genomenon, Inc
Classification: Likely pathogenic, low penetrance for Basal laminar drusen; Age related macular degeneration 4; Atypical hemolytic-uremic syndrome; Factor H deficiency. Last evaluated: 2025-10-02. Review status: criteria provided, single submitter. Criteria: Genomenon Sequence Variant Interpretation Standards - Updated. Collection method: curation. Allele origin: germline. Affected: no.
Comment: CFH p.Gln172Ter (c.514C>T) is a nonsense variant that introduces a premature stop codon at amino acid position 172, creating a truncated protein that is predicted to undergo nonsense-mediated mRNA decay. This variant has been reported in the published literature (PMID:36211394). It is absent or not present at a significant frequency in gnomAD. In conclusion, we classify CFH p.Gln172Ter (c.514C>T) as a likely pathogenic, low penetrance variant.

Literature cited by the submitters: PubMed 36211394.